The following is an entry in ClinVar:

NM_005359.6(SMAD4):c.477G>C (p.Lys159Asn)

Gene: SMAD4 (SMAD family member 4; plus strand). Cytogenetic location: 18q21.2.
Variant type: single nucleotide variant.
Coding change: c.477G>C on transcript NM_005359.6 (MANE Select); coding-DNA position 477, G replaced by C.
Protein change: p.Lys159Asn; replaces lysine 159 with asparagine.
Molecular consequence: missense variant.
Genome position (GRCh38, 1-based): chr18:51,054,803, G>C. VCF-style: chr18-51054803-G-C. GRCh37 (hg19) VCF-style: chr18-48581173-G-C.
Other names: short protein forms K159N.
Identifiers: ClinVar variation 959367 (VCV000959367.1), dbSNP rs1909795479, ClinGen allele CA402460625.

ClinVar aggregate classification (germline): Uncertain significance (1 of 4 stars; one submission).

Conditions:
Generalized juvenile polyposis/juvenile polyposis coli. Also called: Juvenile polyposis coli. Identifiers: Orphanet 329971, MedGen C1868081, MONDO:0008276.

Submission:

Labcorp Genetics (formerly Invitae), Labcorp
Classification: Uncertain significance for Juvenile polyposis syndrome. Last evaluated: 2019-10-24. Review status: criteria provided, single submitter. Criteria: Invitae Variant Classification Sherloc (09022015). Collection method: clinical testing. Allele origin: germline.
Comment: This sequence change replaces lysine with asparagine at codon 159 of the SMAD4 protein (p.Lys159Asn). The lysine residue is highly conserved and there is a moderate physicochemical difference between lysine and asparagine. This variant is not present in population databases (ExAC no frequency). This variant has not been reported in the literature in individuals with SMAD4-related conditions. Algorithms developed to predict the effect of missense changes on protein structure and function are either unavailable or do not agree on the potential impact of this missense change (SIFT: "Tolerated"; PolyPhen-2: "Possibly Damaging"; Align-GVGD: "Class C0"). In summary, the available evidence is currently insufficient to determine the role of this variant in disease. Therefore, it has been classified as a Variant of Uncertain Significance.